The following is an entry in ClinVar:

NM_000142.5(FGFR3):c.2362G>A (p.Val788Met)

Gene: FGFR3 (fibroblast growth factor receptor 3; plus strand). Cytogenetic location: 4p16.3.
Variant type: single nucleotide variant.
Coding change: c.2362G>A on transcript NM_000142.5 (MANE Select); coding-DNA position 2362, G replaced by A.
Protein change: p.Val788Met; replaces valine 788 with methionine.
Molecular consequence: missense variant. On other transcripts: non-coding transcript variant (1).
Genome position (GRCh38, 1-based): chr4:1,807,203, G>A. VCF-style: chr4-1807203-G-A. GRCh37 (hg19) VCF-style: chr4-1808930-G-A.
Other names: CATSHLS; c.2368G>A, p.Val790Met (NM_001163213.2); c.2365G>A, p.Val789Met (NM_001354809.2); c.2294G>A, p.Arg765His (NM_001354810.2); c.2026G>A, p.Val676Met (NM_022965.4); short protein forms V789M, V790M, V676M, R765H, V788M.
Identifiers: ClinVar variation 2073535 (VCV002073535.31), dbSNP rs371433215, ClinGen allele CA2810855.

ClinVar aggregate classification (germline): Conflicting classifications of pathogenicity. Review status: criteria provided, conflicting classifications (1 of 4 stars). 5 submissions from 5 submitters: Uncertain significance (3); Likely benign (2). Last evaluated 2026-06-23.

Conditions:
Camptodactyly-tall stature-scoliosis-hearing loss syndrome. Also called: CATSHL SYNDROME. Identifiers: Orphanet 85164, MedGen C1864852, MONDO:0012504, OMIM 610474.
FGFR3-related chondrodysplasia. Identifiers: Orphanet 93420, MedGen C5681604, MONDO:0019685.
FGFR3-related disorder. Also called: FGFR3-related disorders.

Allele frequency attached by ClinVar (database versions not stated): TOPMed 0.00006; ExAC 0.00008; gnomAD 0.00008; ESP Exome Variant Server 0.00015.
gnomAD v4.1: 93 of 1,608,344 alleles (0.0058%); highest among the groups gnomAD compares: African/African-American, 0.0053%; no homozygotes.

Submissions (5):

Genomenon, Inc
Classification: Uncertain significance for FGFR3-related chondrodysplasia. Last evaluated: 2026-06-23. Review status: criteria provided, single submitter. Criteria: Genomenon Sequence Variant Interpretation Standards - Updated. Collection method: curation. Allele origin: germline. Affected: no.
Comment: FGFR3 p.Val788Met (c.2362G>A) is a missense variant that changes the amino acid at codon 788 from Valine to Methionine. This variant has been reported in the published literature (PMID:35583390). It is absent or not present at a significant frequency in gnomAD. In conclusion, we classify FGFR3 p.Val788Met (c.2362G>A) as a variant of uncertain significance.

PreventionGenetics, part of Exact Sciences
Classification: Likely benign for FGFR3-related condition. Last evaluated: 2025-12-11. Review status: criteria provided, single submitter. Criteria: ACMG Guidelines, 2015. Collection method: clinical testing. Allele origin: germline.
Comment: This variant is classified as likely benign based on ACMG/AMP sequence variant interpretation guidelines (Richards et al. 2015 PMID: 25741868, with internal and published modifications).

Labcorp Genetics (formerly Invitae), Labcorp
Classification: Likely benign. Last evaluated: 2025-10-02. Review status: criteria provided, single submitter. Criteria: Invitae Variant Classification Sherloc (09022015). Collection method: clinical testing. Allele origin: germline.

Laboratory of Prof. Karen Avraham, Tel Aviv University
Classification: Uncertain significance for Camptodactyly-tall stature-scoliosis-hearing loss syndrome. Last evaluated: 2024-12-25. Review status: criteria provided, single submitter. Criteria: ACMG Guidelines, 2015. Collection method: research. Allele origin: germline. Affected: yes. Observed: 1 variant allele.
Comment: The FGFR3 c.2362G>A:p.(Val788Met) heterozygous, predicted deleterious, variant is a founder in the Ashkenazi Jewish population.

CeGaT Center for Human Genetics Tuebingen
Classification: Uncertain significance. Last evaluated: 2023-03-01. Review status: criteria provided, single submitter. Criteria: CeGaT Center For Human Genetics Tuebingen Variant Classification Criteria Version 2. Collection method: clinical testing. Allele origin: germline. Affected: yes. Observed: 1 variant allele.
Comment: FGFR3: PP3

Literature cited by the submitters: PubMed 35583390 (cited by Genomenon, Inc).